The following is an entry in ClinVar:

ClinVar aggregate classification (germline): Uncertain significance (1 of 4 stars; one submission).

gnomAD v4.1: 3 of 1,613,954 alleles (0.00019%); highest among the groups gnomAD compares: Non-Finnish European, 0.00025%; no homozygotes.

Submission:

Labcorp Genetics (formerly Invitae), Labcorp
Classification: Uncertain significance. Last evaluated: 2025-03-31. Review status: criteria provided, single submitter. Criteria: Invitae Variant Classification Sherloc (09022015). Collection method: clinical testing. Allele origin: germline.
Comment: This sequence change replaces alanine, which is neutral and non-polar, with threonine, which is neutral and polar, at codon 1911 of the CHD8 protein (p.Ala1911Thr). This variant is not present in population databases (gnomAD no frequency). This variant has not been reported in the literature in individuals affected with CHD8-related conditions. Invitae Evidence Modeling of protein sequence and biophysical properties (such as structural, functional, and spatial information, amino acid conservation, physicochemical variation, residue mobility, and thermodynamic stability) indicates that this missense variant is not expected to disrupt CHD8 protein function with a negative predictive value of 95%. In summary, the available evidence is currently insufficient to determine the role of this variant in disease. Therefore, it has been classified as a Variant of Uncertain Significance.

NM_001170629.2(CHD8):c.5731G>A (p.Ala1911Thr)

Gene: CHD8 (chromodomain helicase DNA binding protein 8; minus strand). Cytogenetic location: 14q11.2.
Variant type: single nucleotide variant.
Coding change: c.5731G>A on transcript NM_001170629.2 (MANE Select); coding-DNA position 5731, G replaced by A.
Protein change: p.Ala1911Thr; replaces alanine 1911 with threonine.
Molecular consequence: missense variant.
Genome position (GRCh38, 1-based): chr14:21,394,064, C>T on the plus strand (G>A on the coding strand, the complement: CHD8 is on the minus strand). VCF-style: chr14-21394064-C-T. GRCh37 (hg19) VCF-style: chr14-21862223-C-T.
Other names: c.4894G>A, p.Ala1632Thr (NM_020920.4); short protein forms A1632T, A1911T.
Identifiers: ClinVar variation 4797608 (VCV004797608.1).